The following is an entry in ClinVar:

ClinVar aggregate classification (germline): Uncertain significance (1 of 4 stars; one submission).

Conditions:
Left-right axis malformations. Identifiers: MedGen C1866091.

Submission:

Labcorp Genetics (formerly Invitae), Labcorp
Classification: Uncertain significance for Left-right axis malformations. Last evaluated: 2020-08-14. Review status: criteria provided, single submitter. Criteria: Invitae Variant Classification Sherloc (09022015). Collection method: clinical testing. Allele origin: germline.
Comment: This variant results in a copy number gain of the genomic region encompassing the full coding sequence of the LEFTY2 gene. The boundaries of this event are unknown as they extend beyond the assayed region for this gene and therefore may encompass additional genes. As the precise location of this event is unknown, it may be in tandem or it may be located elsewhere in the genome. This variant has not been reported in the literature in individuals with LEFTY2-related conditions. In summary, the available evidence is currently insufficient to determine the role of this variant in disease. Therefore, it has been classified as a Variant of Uncertain Significance.

NC_000001.10:g.(?_226125121)_(226128860_?)dup

Gene: LEFTY2 (left-right determination factor 2; minus strand). Cytogenetic location: 1q42.12.
Variant type: Duplication.
Identifiers: ClinVar variation 1020059 (VCV001020059.1).